The following is an entry in ClinVar:

NM_000219.6(KCNE1):c.185T>A (p.Met62Lys)

Gene: KCNE1 (potassium voltage-gated channel subfamily E regulatory subunit 1; minus strand). Cytogenetic location: 21q22.12.
Variant type: single nucleotide variant.
Coding change: c.185T>A on transcript NM_000219.6 (MANE Select); coding-DNA position 185, T replaced by A.
Protein change: p.Met62Lys; replaces methionine 62 with lysine.
Molecular consequence: missense variant.
Genome position (GRCh38, 1-based): chr21:34,449,450, A>T on the plus strand (T>A on the coding strand, the complement: KCNE1 is on the minus strand). VCF-style: chr21-34449450-A-T. GRCh37 (hg19) VCF-style: chr21-35821748-A-T.
Other names: c.185T>A, p.Met62Lys (NM_001127668.4, NM_001127669.4, NM_001127670.4 and 4 more transcripts); short protein forms M62K.
Identifiers: ClinVar variation 3374271 (VCV003374271.2).

Conditions:
Long QT syndrome 5 (LQT5). Identifiers: Orphanet 101016, Orphanet 768, MedGen C1867904, MONDO:0013372, OMIM 613695.

Submission:

Roden Lab, Vanderbilt University Medical Center
No classification provided (evidence only). Condition: Long QT syndrome 5. Review status: no classification provided. Collection method: in vitro. Allele origin: not applicable. Functional consequence: Effect on ion channel function.
ClinVar note: "not provided" was previously submitted as the classification for the variant. However, the classification appeared to be based only on an observation of functional data so it was converted to no classification on 2025-07-30.